The following is an entry in ClinVar:

ClinVar aggregate classification (germline): Likely pathogenic. Review status: criteria provided, single submitter (1 of 4 stars). 2 submissions from 2 submitters: Likely pathogenic (1). 1 of the submissions does not count toward it. Last evaluated 2024-07-02.

Conditions:
CDKL5 disorder. Identifiers: MedGen CN296942, MONDO:0100039.
Developmental and epileptic encephalopathy, 2 (DEE2). Also called: INFANTILE SPASM SYNDROME, X-LINKED 2; CDKL5 deficiency disorder. Identifiers: Orphanet 1934, Orphanet 3451, Orphanet 505652, MedGen C4750718, MONDO:0010396, OMIM 300672.

Submissions (2):

Centre for Population Genomics, CPG
Classification: Likely pathogenic for CDKL5 disorder. Last evaluated: 2024-07-02. Review status: criteria provided, single submitter. Criteria: McKnight et al. (Hum Mutat. 2022). Collection method: curation. Allele origin: germline. Inheritance: X-linked inheritance.
Comment: This variant has been collected from RettBASE and curated to current modified ACMG/AMP criteria. Based on the classification scheme defined by the ClinGen Rett/Angelman-like Expert Panel for Rett/AS-like Disorders Specifications to the ACMG/AMP Variant Interpretation Guidelines VCEP 3.0, this variant is classified as likely pathogenic. At least the following criteria are met: This variant has been identified as a de novo occurrence in an individual with CDKL5 disorder without confirmation of paternity and maternity (PM6). PMID: 35701389 Computational prediction analysis tools suggests a deleterious impact (REVEL score>= 0.75) (PP3). At least one individual with this variant has been reported with a clinical phenotype consistent with CDKL5- related condition (PP4). PMID: 16611748 This variant is absent from gnomAD v3 (PM2_Supporting). Has been observed in at least 2 individuals with phenotypes consistent with CDKL5 disorder (PS4_Supporting). PMID: 35701389 PMID: 16611748

RettBASE
Classification: Pathogenic for Epileptic encephalopathy, early infantile, 2. Last evaluated: 2014-03-13. Review status: no assertion criteria provided. Collection method: curation. Allele origin: unknown. Affected: yes. Observed: 1 variant allele. Not counted in ClinVar's aggregate classification.
Comment: Mutation at the highly conserved catalytic domain; In silico prediction: SIFT = deleterious, MutationTaster = disease-causing, PolyPhen2 = probably damaging, AlignGVGD = benign (C0)

Literature cited by the submitters: PubMed 16611748 (cited by RettBASE).

NM_001323289.2(CDKL5):c.539C>T (p.Pro180Leu)

Gene: CDKL5 (cyclin dependent kinase like 5; plus strand). Cytogenetic location: Xp22.13.
Variant type: single nucleotide variant.
Coding change: c.539C>T on transcript NM_001323289.2 (MANE Select); coding-DNA position 539, C replaced by T.
Protein change: p.Pro180Leu; replaces proline 180 with leucine.
Molecular consequence: missense variant.
Genome position (GRCh38, 1-based): chrX:18,584,338, C>T. VCF-style: chrX-18584338-C-T. GRCh37 (hg19) VCF-style: chrX-18602458-C-T.
Other names: NM_001323289.2(CDKL5):c.539C>T; c.539C>T, p.Pro180Leu (NM_001037343.2, NM_003159.3); short protein forms P180L.
Identifiers: ClinVar variation 143824 (VCV000143824.4), dbSNP rs61749704, ClinGen allele CA170494.